The following is an entry in ClinVar:

ClinVar aggregate classification (germline): Uncertain significance (1 of 4 stars; one submission).

Submission:

GeneDx
Classification: Uncertain significance. Last evaluated: 2017-08-09. Review status: criteria provided, single submitter. Criteria: GeneDx Variant Classification (06012015). Collection method: clinical testing. Allele origin: germline. Affected: yes.
Comment: The E1726G variant has not been published as a pathogenic variant, nor has it been reported as a benign variant to our knowledge. The E1726G variant is not observed in large population cohorts (Lek et al., 2016; 1000 Genomes Consortium et al., 2015; Exome Variant Server). The E1726G variant is a non-conservative amino acid substitution, which is likely to impact secondary protein structure as these residues differ in polarity, charge, size and/or other properties. This substitution occurs at a position that is conserved in mammals. In silico analysis is inconsistent in its predictions as to whether or not the variant is damaging to the protein structure/function. Therefore, based on the currently available information, it is unclear whether this variant is a pathogenic variant or a rare benign variant.

NM_006031.6(PCNT):c.5177A>G (p.Glu1726Gly)

Gene: PCNT (pericentrin; plus strand). Cytogenetic location: 21q22.3.
Variant type: single nucleotide variant.
Coding change: c.5177A>G on transcript NM_006031.6 (MANE Select); coding-DNA position 5177, A replaced by G.
Protein change: p.Glu1726Gly; replaces glutamic acid 1726 with glycine.
Molecular consequence: missense variant.
Genome position (GRCh38, 1-based): chr21:46,411,250, A>G. VCF-style: chr21-46411250-A-G. GRCh37 (hg19) VCF-style: chr21-47831164-A-G.
Other names: c.4823A>G, p.Glu1608Gly (NM_001315529.2); short protein forms E1726G, E1608G.
Identifiers: ClinVar variation 451177 (VCV000451177.2), dbSNP rs1555984919, ClinGen allele CA410551975.